The following is an entry in ClinVar:

NM_022114.4(PRDM16):c.37+25C>G

Genes: PRDM16 (PR/SET domain 16; plus strand), PRDM16-DT (PRDM16 divergent transcript; minus strand). Cytogenetic location: 1p36.32.
Variant type: single nucleotide variant.
Coding change: c.37+25C>G on transcript NM_022114.4 (MANE Select); 25 bases into the intron after coding-DNA position 37, C replaced by G.
Molecular consequence: intron variant.
Genome position (GRCh38, 1-based): chr1:3,069,321, C>G. VCF-style: chr1-3069321-C-G. GRCh37 (hg19) VCF-style: chr1-2985885-C-G.
Other names: c.37+25C>G (NM_199454.3).
Identifiers: ClinVar variation 674706 (VCV000674706.2), dbSNP rs7413494, ClinGen allele CA543644.

ClinVar aggregate classification (germline): Benign. Review status: criteria provided, multiple submitters, no conflicts (2 of 4 stars). 2 submissions from 2 submitters: Benign (2). Last evaluated 2018-06-15.

Allele frequency attached by ClinVar (database versions not stated): 1000 Genomes Project 30x 0.35290; ESP Exome Variant Server 0.30451; TOPMed 0.34774; 1000 Genomes Project 0.36022; gnomAD 0.34790 and 0.35477; gnomAD exomes 0.45903.
gnomAD v4.1: 495,698 of 1,264,322 alleles (39%); highest among the groups gnomAD compares: East Asian, 58%; 101,620 homozygotes.

Submissions (2):

GeneDx
Classification: Benign. Last evaluated: 2018-06-15. Review status: criteria provided, single submitter. Criteria: GeneDx Variant Classification (06012015). Collection method: clinical testing. Allele origin: germline. Affected: yes.
Comment: This variant is considered likely benign or benign based on one or more of the following criteria: it is a conservative change, it occurs at a poorly conserved position in the protein, it is predicted to be benign by multiple in silico algorithms, and/or has population frequency not consistent with disease.

Breakthrough Genomics
Classification: Benign. Review status: criteria provided, single submitter. Criteria: ACMG Guidelines, 2015. Collection method: not provided. Allele origin: germline. Inheritance: Autosomal dominant inheritance. Affected: yes.